The following is an entry in ClinVar:

ClinVar aggregate classification (germline): Pathogenic (1 of 4 stars; one submission).

Conditions:
Glycogen storage disease type III (GSD3). Also called: FORBES DISEASE; Cori disease. Identifiers: Orphanet 366, MedGen C0017922, MONDO:0009291, OMIM 232400.

Submission:

Myriad Genetics, Inc.
Classification: Pathogenic for Glycogen storage disease type III. Last evaluated: 2024-10-19. Review status: criteria provided, single submitter. Criteria: Myriad Autosomal Dominant, Autosomal Recessive and X-Linked Classification Criteria (2023). Collection method: clinical testing. Allele origin: unknown.
Comment: NM_000642.2(AGL):c.798C>A(Y266*) is expected to be pathogenic in the context of glycogen storage disease type III. This variant is predicted to lead to an abnormal or absent protein product due to the creation of a premature termination codon in AGL, a gene where loss-of-function variants are known to be pathogenic. Please note: this variant was assessed in the context of healthy population screening.

NM_000642.3(AGL):c.798C>A (p.Tyr266Ter)

Gene: AGL (amylo-alpha-1,6-glucosidase and 4-alpha-glucanotransferase; plus strand). Cytogenetic location: 1p21.2.
Variant type: single nucleotide variant.
Coding change: c.798C>A on transcript NM_000642.3 (MANE Select); coding-DNA position 798, C replaced by A.
Protein change: p.Tyr266Ter; replaces tyrosine 266 with a stop codon.
Molecular consequence: nonsense.
Genome position (GRCh38, 1-based): chr1:99,870,533, C>A. VCF-style: chr1-99870533-C-A. GRCh37 (hg19) VCF-style: chr1-100336089-C-A.
Other names: c.798C>A, p.Tyr266Ter (NM_000028.3, NM_000643.3, NM_000644.3 and 3 more transcripts); c.750C>A, p.Tyr250Ter (NM_000646.3); c.594C>A, p.Tyr198Ter (NM_001425328.1, NM_001425329.1); c.420C>A, p.Tyr140Ter (NM_001425332.1); short protein forms Y140*, Y198*, Y250*, Y266*.
Identifiers: ClinVar variation 5013651 (VCV005013651.1).